The following is an entry in ClinVar:

NM_205836.3(FBXO38):c.1407+5G>A

Gene: FBXO38 (F-box protein 38; plus strand). Cytogenetic location: 5q32.
Variant type: single nucleotide variant.
Coding change: c.1407+5G>A on transcript NM_205836.3 (MANE Select); 5 bases into the intron after coding-DNA position 1407, G replaced by A.
Molecular consequence: intron variant.
Genome position (GRCh38, 1-based): chr5:148,416,075, G>A. VCF-style: chr5-148416075-G-A. GRCh37 (hg19) VCF-style: chr5-147795638-G-A.
Other names: c.1407+5G>A (NM_030793.5, NM_001271723.2).
Identifiers: ClinVar variation 3708483 (VCV003708483.2).
Genomic context (GRCh38, chr5:148,416,075, plus strand): 5'-TATTACCCAGCCTAGAGTTTATTTCACTGGATCAGATGTTTCGTGAACCACCCAAGGTAA[G>A]ATACATTTGAGGGAGTTTTTGTTTATTTTGATAGGAAAGAAAATAAAAACAGCCTGTGAT-3'

ClinVar aggregate classification (germline): Uncertain significance (1 of 4 stars; one submission).

Conditions:
Distal hereditary motor neuropathy type 2. Identifiers: Orphanet 139525, MedGen C3711384, MeSH C580044, MONDO:0015352.

gnomAD v4.1: 12 of 1,533,866 alleles (0.00078%); highest among the groups gnomAD compares: African/African-American, 0.0014%; no homozygotes.

Submission:

Labcorp Genetics (formerly Invitae), Labcorp
Classification: Uncertain significance for Distal hereditary motor neuropathy type 2. Last evaluated: 2025-01-06. Review status: criteria provided, single submitter. Criteria: Invitae Variant Classification Sherloc (09022015). Collection method: clinical testing. Allele origin: germline.
Comment: This sequence change falls in intron 11 of the FBXO38 gene. It does not directly change the encoded amino acid sequence of the FBXO38 protein. It affects a nucleotide within the consensus splice site. This variant is present in population databases (no rsID available, gnomAD 0.007%). This variant has not been reported in the literature in individuals affected with FBXO38-related conditions. Variants that disrupt the consensus splice site are a relatively common cause of aberrant splicing (PMID: 17576681, 9536098). Algorithms developed to predict the effect of sequence changes on RNA splicing suggest that this variant is not likely to affect RNA splicing. In summary, the available evidence is currently insufficient to determine the role of this variant in disease. Therefore, it has been classified as a Variant of Uncertain Significance.

Literature cited by the submitters: PubMed 17576681; PubMed 9536098.